The following is an entry in ClinVar:

ClinVar aggregate classification (germline): Uncertain significance (1 of 4 stars; one submission).

Conditions:
Fanconi anemia (FA). Also called: Fanconi's anemia. Identifiers: Orphanet 84, MedGen C0015625, MeSH D005199, MONDO:0019391.

Submission:

Labcorp Genetics (formerly Invitae), Labcorp
Classification: Uncertain significance for Fanconi anemia. Last evaluated: 2024-12-30. Review status: criteria provided, single submitter. Criteria: Invitae Variant Classification Sherloc (09022015). Collection method: clinical testing. Allele origin: germline.
Comment: This sequence change replaces glutamic acid, which is acidic and polar, with lysine, which is basic and polar, at codon 683 of the FANCM protein (p.Glu683Lys). This variant is not present in population databases (gnomAD no frequency). This variant has not been reported in the literature in individuals affected with FANCM-related conditions. An algorithm developed to predict the effect of missense changes on protein structure and function (PolyPhen-2) suggests that this variant is likely to be disruptive. Algorithms developed to predict the effect of sequence changes on RNA splicing suggest that this variant may disrupt the consensus splice site. In summary, the available evidence is currently insufficient to determine the role of this variant in disease. Therefore, it has been classified as a Variant of Uncertain Significance.

NM_020937.4(FANCM):c.2047G>A (p.Glu683Lys)

Gene: FANCM (FA complementation group M; plus strand). Cytogenetic location: 14q21.2.
Variant type: single nucleotide variant.
Coding change: c.2047G>A on transcript NM_020937.4 (MANE Select); coding-DNA position 2047, G replaced by A.
Protein change: p.Glu683Lys; replaces glutamic acid 683 with lysine.
Molecular consequence: missense variant.
Genome position (GRCh38, 1-based): chr14:45,170,633, G>A. VCF-style: chr14-45170633-G-A. GRCh37 (hg19) VCF-style: chr14-45639836-G-A.
Other names: c.1969G>A, p.Glu657Lys (NM_001308133.2); short protein forms E657K, E683K.
Identifiers: ClinVar variation 3667485 (VCV003667485.2).